The following is an entry in ClinVar:

NM_015404.4(WHRN):c.1018G>A (p.Asp340Asn)

Gene: WHRN (whirlin; minus strand). Cytogenetic location: 9q32.
Variant type: single nucleotide variant.
Coding change: c.1018G>A on transcript NM_015404.4 (MANE Select); coding-DNA position 1018, G replaced by A.
Protein change: p.Asp340Asn; replaces aspartic acid 340 with asparagine.
Molecular consequence: missense variant. On other transcripts: 5 prime UTR variant (1).
Genome position (GRCh38, 1-based): chr9:114,426,359, C>T on the plus strand (G>A on the coding strand, the complement: WHRN is on the minus strand). VCF-style: chr9-114426359-C-T. GRCh37 (hg19) VCF-style: chr9-117188639-C-T.
Other names: c.-132G>A (NM_001083885.3); c.1018G>A, p.Asp340Asn (NM_001173425.2); c.1018G>A (NM_015404.2); short protein forms D340N.
Identifiers: ClinVar variation 1031912 (VCV001031912.2), dbSNP rs937343366, ClinGen allele CA198636737.
Genomic context (GRCh38, chr9:114,426,359, plus strand): 5'-CGACGTCCTTCACTGTCAGGATGAGGTGCCGAGATGACTTAAGCAGCCTGACAGCCTCGT[C>T]GTGTAGGATGTTGAGAAAGCTCCGCCCATTCACTTCTAGAATCTGGTCCCCAACCTGCCA-3'
Protein context (NP_056219.3, residues 330-350): NGRSFLNILH[Asp340Asn]EAVRLLKSSR

ClinVar aggregate classification (germline): Uncertain significance. Review status: criteria provided, multiple submitters, no conflicts (2 of 4 stars). 2 submissions from 2 submitters: Uncertain significance (2). Last evaluated 2026-03-18.

Conditions:
Autosomal recessive nonsyndromic hearing loss 31. Also called: WHIRLER, MOUSE, HOMOLOG OF. Identifiers: Orphanet 90636, MedGen C1846839, MONDO:0011767, OMIM 607084.

Allele frequency attached by ClinVar (database versions not stated): TOPMed 0.00002.
gnomAD v4.1: 16 of 1,613,974 alleles (0.00099%); highest among the groups gnomAD compares: Admixed American, 0.0017%; no homozygotes.

Submissions (2):

GeneDx
Classification: Uncertain significance. Last evaluated: 2026-03-18. Review status: criteria provided, single submitter. Criteria: GeneDx Variant Classification Process June 2021. Collection method: clinical testing. Allele origin: germline.
Comment: In silico analysis suggests that this missense variant does not alter protein structure/function; Has not been previously published as pathogenic or benign to our knowledge

Baylor Genetics
Classification: Uncertain significance for Autosomal recessive nonsyndromic hearing loss 31. Last evaluated: 2018-02-08. Review status: criteria provided, single submitter. Criteria: ACMG Guidelines, 2015. Collection method: clinical testing. Allele origin: paternal. Affected: yes.
Comment: This variant was determined to be of uncertain significance according to ACMG Guidelines, 2015 [PMID:25741868].